The following is an entry in ClinVar:

NM_000057.4(BLM):c.3079G>C (p.Val1027Leu)

Gene: BLM (BLM RecQ like helicase; plus strand). Cytogenetic location: 15q26.1.
Variant type: single nucleotide variant.
Coding change: c.3079G>C on transcript NM_000057.4 (MANE Select); coding-DNA position 3079, G replaced by C.
Protein change: p.Val1027Leu; replaces valine 1027 with leucine.
Molecular consequence: missense variant.
Genome position (GRCh38, 1-based): chr15:90,794,226, G>C. VCF-style: chr15-90794226-G-C. GRCh37 (hg19) VCF-style: chr15-91337456-G-C.
Other names: c.3079G>C, p.Val1027Leu (NM_001287246.2, NM_001287247.2); c.1954G>C, p.Val652Leu (NM_001287248.2); short protein forms V1027L, V652L.
Identifiers: ClinVar variation 3224378 (VCV003224378.1), dbSNP rs1300299815, ClinGen allele CA393846784.

ClinVar aggregate classification (germline): Uncertain significance (1 of 4 stars; one submission).

Conditions:
Hereditary cancer-predisposing syndrome. Also called: Tumor predisposition; Hereditary neoplastic syndrome; Hereditary Cancer Syndrome; Neoplastic Syndromes, Hereditary. Identifiers: Orphanet 140162, MedGen C0027672, MeSH D009386, MONDO:0015356.

Submission:

Ambry Genetics
Classification: Uncertain significance for Hereditary cancer-predisposing syndrome. Last evaluated: 2024-03-10. Review status: criteria provided, single submitter. Criteria: Ambry Variant Classification Scheme 2023. Collection method: clinical testing. Allele origin: germline.
Comment: The p.V1027L variant (also known as c.3079G>C), located in coding exon 15 of the BLM gene, results from a G to C substitution at nucleotide position 3079. The valine at codon 1027 is replaced by leucine, an amino acid with highly similar properties. This amino acid position is conserved. In addition, this alteration is predicted to be deleterious by in silico analysis. Based on the available evidence, the clinical significance of this alteration remains unclear.